The following is an entry in ClinVar:

NM_138694.4(PKHD1):c.10162T>C (p.Phe3388Leu)

Gene: PKHD1 (PKHD1 ciliary IPT domain containing fibrocystin/polyductin; minus strand). Cytogenetic location: 6p12.3.
Variant type: single nucleotide variant.
Coding change: c.10162T>C on transcript NM_138694.4 (MANE Select); coding-DNA position 10162, T replaced by C.
Protein change: p.Phe3388Leu; replaces phenylalanine 3388 with leucine.
Molecular consequence: missense variant.
Genome position (GRCh38, 1-based): chr6:51,659,964, A>G on the plus strand (T>C on the coding strand, the complement: PKHD1 is on the minus strand). VCF-style: chr6-51659964-A-G. GRCh37 (hg19) VCF-style: chr6-51524762-A-G.
Other names: c.10162T>C (NM_138694.3); short protein forms F3388L.
Identifiers: ClinVar variation 4738517 (VCV004738517.2).

ClinVar aggregate classification (germline): Uncertain significance. Review status: criteria provided, multiple submitters, no conflicts (2 of 4 stars). 2 submissions from 2 submitters: Uncertain significance (2). Last evaluated 2025-12-24.

Conditions:
PKHD1-related disorder. Also called: PKHD1-related condition.
Autosomal recessive polycystic kidney disease (ARPKD). Also called: AR polycystic kidney disease. Identifiers: Orphanet 731, Orphanet 8378, MedGen C0085548, MeSH D017044, MONDO:0009889.

gnomAD v4.1: 7 of 1,592,386 alleles (0.00044%); highest among the groups gnomAD compares: Non-Finnish European, 0.0006%; no homozygotes.

Submissions (2):

Labcorp Genetics (formerly Invitae), Labcorp
Classification: Uncertain significance for Autosomal recessive polycystic kidney disease. Last evaluated: 2025-12-24. Review status: criteria provided, single submitter. Criteria: Invitae Variant Classification Sherloc (09022015). Collection method: clinical testing. Allele origin: germline.
Comment: This sequence change replaces phenylalanine, which is neutral and non-polar, with leucine, which is neutral and non-polar, at codon 3388 of the PKHD1 protein (p.Phe3388Leu). This variant is not present in population databases (gnomAD no frequency). This variant has not been reported in the literature in individuals affected with PKHD1-related conditions. Invitae Evidence Modeling of protein sequence and biophysical properties (such as structural, functional, and spatial information, amino acid conservation, physicochemical variation, residue mobility, and thermodynamic stability) indicates that this missense variant is not expected to disrupt PKHD1 protein function with a negative predictive value of 95%. In summary, the available evidence is currently insufficient to determine the role of this variant in disease. Therefore, it has been classified as a Variant of Uncertain Significance.

PreventionGenetics, part of Exact Sciences
Classification: Uncertain significance for PKHD1-related condition. Last evaluated: 2025-02-10. Review status: criteria provided, single submitter. Criteria: ACMG Guidelines, 2015. Collection method: clinical testing. Allele origin: germline.
Comment: The PKHD1 c.10162T>C variant is predicted to result in the amino acid substitution p.Phe3388Leu. To our knowledge, this variant has not been reported in the literature or in a large population database (gnomAD), indicating this variant is rare. At this time, the clinical significance of this variant is uncertain due to the absence of conclusive functional and genetic evidence.